The following is an entry in ClinVar:

ClinVar aggregate classification (germline): Likely pathogenic (1 of 4 stars; one submission).

Conditions:
Early-infantile DEE. Also called: Ohtahara syndrome; Early infantile epileptic encephalopathy with suppression bursts; Early infantile epileptic encephalopathy. Identifiers: Orphanet 1934, MedGen C0393706, MONDO:0800491.

Submission:

Labcorp Genetics (formerly Invitae), Labcorp
Classification: Likely pathogenic for Early-infantile DEE. Last evaluated: 2023-07-10. Review status: criteria provided, single submitter. Criteria: Invitae Variant Classification Sherloc (09022015). Collection method: clinical testing. Allele origin: germline.
Comment: In summary, the currently available evidence indicates that the variant is pathogenic, but additional data are needed to prove that conclusively. Therefore, this variant has been classified as Likely Pathogenic. This variant disrupts the p.Leu984 amino acid residue in SCN1A. Other variant(s) that disrupt this residue have been determined to be pathogenic (Invitae). This suggests that this residue is clinically significant, and that variants that disrupt this residue are likely to be disease-causing. Advanced modeling of protein sequence and biophysical properties (such as structural, functional, and spatial information, amino acid conservation, physicochemical variation, residue mobility, and thermodynamic stability) performed at Invitae indicates that this missense variant is expected to disrupt SCN1A protein function. ClinVar contains an entry for this variant (Variation ID: 2169506). This missense change has been observed in individual(s) with Dravet syndrome (PMID: 30868114). This variant is not present in population databases (gnomAD no frequency). This sequence change replaces leucine, which is neutral and non-polar, with arginine, which is basic and polar, at codon 984 of the SCN1A protein (p.Leu984Arg).

Literature cited by the submitters: PubMed 30868114.

NM_001165963.4(SCN1A):c.2951T>G (p.Leu984Arg)

Gene: SCN1A (sodium voltage-gated channel alpha subunit 1; minus strand). Cytogenetic location: 2q24.3.
Variant type: single nucleotide variant.
Coding change: c.2951T>G on transcript NM_001165963.4 (MANE Select); coding-DNA position 2951, T replaced by G.
Protein change: p.Leu984Arg; replaces leucine 984 with arginine.
Molecular consequence: missense variant. On other transcripts: non-coding transcript variant (1).
Genome position (GRCh38, 1-based): chr2:166,036,526, A>C on the plus strand (T>G on the coding strand, the complement: SCN1A is on the minus strand). VCF-style: chr2-166036526-A-C. GRCh37 (hg19) VCF-style: chr2-166893036-A-C.
Other names: c.2867T>G, p.Leu956Arg (NM_001165964.3, NM_001353957.2, NM_001353958.2); c.2951T>G, p.Leu984Arg (NM_001202435.3, NM_001353948.2); c.2918T>G, p.Leu973Arg (NM_001353949.2, NM_001353950.2, NM_001353951.2 and 2 more transcripts); c.2915T>G, p.Leu972Arg (NM_001353954.2, NM_001353955.2); c.2864T>G, p.Leu955Arg (NM_001353960.2); c.509T>G, p.Leu170Arg (NM_001353961.2); short protein forms L972R, L956R, L973R, L984R, L170R, L955R.
Identifiers: ClinVar variation 2169506 (VCV002169506.4), dbSNP rs2105797671, ClinGen allele CA349060646.